The following is an entry in ClinVar:

NM_016203.4(PRKAG2):c.311C>A (p.Thr104Asn)

Gene: PRKAG2 (protein kinase AMP-activated non-catalytic subunit gamma 2; minus strand). Cytogenetic location: 7q36.1.
Variant type: single nucleotide variant.
Coding change: c.311C>A on transcript NM_016203.4 (MANE Select); coding-DNA position 311, C replaced by A.
Protein change: p.Thr104Asn; replaces threonine 104 with asparagine.
Molecular consequence: missense variant.
Genome position (GRCh38, 1-based): chr7:151,781,307, G>T on the plus strand (C>A on the coding strand, the complement: PRKAG2 is on the minus strand). VCF-style: chr7-151781307-G-T. GRCh37 (hg19) VCF-style: chr7-151478393-G-T.
Other names: c.179C>A, p.Thr60Asn (NM_001040633.2); short protein forms T104N, T60N.
Identifiers: ClinVar variation 927297 (VCV000927297.5), dbSNP rs2076655530, ClinGen allele CA370069697.

ClinVar aggregate classification (germline): Uncertain significance (1 of 4 stars; one submission).

Conditions:
Cardiomyopathy (CMYO). Also called: Cardiomyopathies. Identifiers: Orphanet 167848, MedGen C0878544, MONDO:0004994, HP:0001638. Inheritance: Various modes of inheritance.

Submission:

Color Diagnostics, LLC DBA Color Health
Classification: Uncertain significance for Cardiomyopathy. Last evaluated: 2023-12-04. Review status: criteria provided, single submitter. Criteria: ACMG Guidelines, 2015. Collection method: clinical testing. Allele origin: germline.
Comment: Variant of Uncertain Significance due to insufficient evidence: This missense variant replaces threonine with asparagine at codon 104 of the PRKAG2 protein. Computational prediction tools and conservation analyses are inconclusive regarding the impact of this variant on the protein function. Computational splicing tools suggest that this variant may not impact RNA splicing. To our knowledge, functional assays have not been performed for this variant nor has this variant been reported in individuals affected with cardiovascular disorders in the literature. This variant is rare in the general population and has been identified in 0/277264 chromosomes by the Genome Aggregation Database (gnomAD). Available evidence is insufficient to determine the pathogenicity of this variant conclusively.